The following is an entry in ClinVar:

NM_000051.4(ATM):c.3403-15del

Gene: ATM (ATM serine/threonine kinase; plus strand). Cytogenetic location: 11q22.3.
Variant type: Deletion.
Coding change: c.3403-15del on transcript NM_000051.4 (MANE Select); 15 bases into the intron before coding-DNA position 3403, one base deleted (T; older notation c.3403-15delT).
Molecular consequence: intron variant.
Genome position (GRCh38, 1-based): chr11:108,280,980, T deleted; the last of 10 consecutive T bases (chr11:108,280,971-108,280,980); deleting any one gives the same sequence. VCF-style (leftmost placement, unchanged base first): chr11-108280970-AT-A. GRCh37 (hg19) VCF-style: chr11-108151697-AT-A.
Other names: c.3403-15del (NM_001351834.2); c.3403-15delT (NM_000051.4).
Identifiers: ClinVar variation 2692170 (VCV002692170.4), dbSNP rs1555091083, ClinGen allele CA6265284.

ClinVar aggregate classification (germline): Benign/Likely benign. Review status: criteria provided, multiple submitters, no conflicts (2 of 4 stars). 3 submissions from 3 submitters: Benign (1); Likely benign (2). Last evaluated 2025-03-04.

Conditions:
Familial cancer of breast. Also called: BREAST CANCER, FAMILIAL; hereditary breast carcinoma; Hereditary breast cancer. Identifiers: Orphanet 227535, MedGen C0346153, MONDO:0016419, OMIM 114480. Disease mechanism: loss of function.

Submissions (3):

Center for Genomic Medicine, Rigshospitalet, Copenhagen University Hospital
Classification: Likely benign. Last evaluated: 2025-03-04. Review status: criteria provided, single submitter. Criteria: ACMG Guidelines, 2015. Collection method: clinical testing. Allele origin: germline.

Blueprint Genetics
Classification: Likely benign. Last evaluated: 2024-10-07. Review status: criteria provided, single submitter. Criteria: ACMG Guidelines, 2015. Collection method: clinical testing. Allele origin: germline.

Myriad Genetics, Inc.
Classification: Benign for Familial cancer of breast. Last evaluated: 2024-05-14. Review status: criteria provided, single submitter. Criteria: Myriad Autosomal Dominant, Autosomal Recessive and X-Linked Classification Criteria (2023). Collection method: clinical testing. Allele origin: unknown.
Comment: This variant is considered benign. This variant is intronic and is not expected to impact mRNA splicing.